The following is an entry in ClinVar:

ClinVar aggregate classification (germline): Uncertain significance (3 of 4 stars; one submission).

Conditions:
Monogenic diabetes. Identifiers: Orphanet 183625, MedGen C3888631, MONDO:0015967.

Submission:

ClinGen Monogenic Diabetes Variant Curation Expert Panel
Classification: Uncertain significance for Monogenic diabetes. Last evaluated: 2025-07-24. Review status: reviewed by expert panel. Criteria: ClinGen Diabetes ACMG Specifications HNF1A V3.0.0. Collection method: curation. Allele origin: germline. Inheritance: Autosomal dominant inheritance.
Comment: The c.1168G>C variant in the HNF1 homeobox A gene, HNF1A, causes an amino acid change of glutamic acid to glutamine at codon 390 (p.(Glu390Gln)) of NM_000545.8. This variant is absent in gnomAD v2.1.1 and v4.1.0 (PM2_Supporting). This variant was was identified in an individual with a clinical history highly specific for HNF1A-MODY (MODY probability calculator result >50%, negative genetic testing for HNF4A) (PP4; internal lab contributor). However, PS4_Moderate cannot be applied because this number is below the ClinGen MDEP threshold. Additionally, this variant has a REVEL score of 0.4729, which is between the ClinGen MDEP thresholds, predicting neither a damaging nor benign impact on HNF1A function. In summary, the c.1168G>C variant meets the criteria to be classified as a variant of uncertain significance for monogenic diabetes. ACMG/AMP criteria applied, as specified by the ClinGen MDEP (specification version 3.0.0, approved 6/30/2025): PP4, PM2_Supporting.

NM_000545.8(HNF1A):c.1168G>C (p.Glu390Gln)

Gene: HNF1A (HNF1 homeobox A; plus strand). Cytogenetic location: 12q24.31.
Variant type: single nucleotide variant.
Coding change: c.1168G>C on transcript NM_000545.8 (MANE Select); coding-DNA position 1168, G replaced by C.
Protein change: p.Glu390Gln; replaces glutamic acid 390 with glutamine.
Molecular consequence: missense variant.
Genome position (GRCh38, 1-based): chr12:120,996,601, G>C. VCF-style: chr12-120996601-G-C. GRCh37 (hg19) VCF-style: chr12-121434404-G-C.
Other names: NM_001306179.2:c.1168G>C; c.1168G>C, p.Glu390Gln (NM_001306179.2); short protein forms E390Q.
Identifiers: ClinVar variation 1342954 (VCV001342954.4), dbSNP rs1877115047, ClinGen allele CA386969139.